The following is an entry in ClinVar:

NM_032229.3(SLITRK6):c.1657G>A (p.Asp553Asn)

Gene: SLITRK6 (SLIT and NTRK like family member 6; minus strand). Cytogenetic location: 13q31.1.
Variant type: single nucleotide variant.
Coding change: c.1657G>A on transcript NM_032229.3 (MANE Select); coding-DNA position 1657, G replaced by A.
Protein change: p.Asp553Asn; replaces aspartic acid 553 with asparagine.
Molecular consequence: missense variant.
Genome position (GRCh38, 1-based): chr13:85,794,852, C>T on the plus strand (G>A on the coding strand, the complement: SLITRK6 is on the minus strand). VCF-style: chr13-85794852-C-T. GRCh37 (hg19) VCF-style: chr13-86368987-C-T.
Other names: short protein forms D553N.
Identifiers: ClinVar variation 2395290 (VCV002395290.5), dbSNP rs755293525, ClinGen allele CA7015059.
Genomic context (GRCh38, chr13:85,794,852, plus strand): 5'-GGTTATTTACTAAACCTGGACAGAGAATTTCACTATTTAGGGCTTTCAATTCCTTTTTGT[C>T]GAGATGCCCGGGGGAAGTGCAGAGGATGTCATCTGTCACTGTGTTCTTGCTTAACTTTTG-3'
Protein context (NP_115605.2, residues 543-563): DILCTSPGHL[Asp553Asn]KKELKALNSE

ClinVar aggregate classification (germline): Uncertain significance. Review status: criteria provided, multiple submitters, no conflicts (2 of 4 stars). 3 submissions from 3 submitters: Uncertain significance (3). Last evaluated 2025-06-13.

Conditions:
Inborn genetic diseases. Identifiers: MedGen C0950123, MeSH D030342.

Allele frequency attached by ClinVar (database versions not stated): gnomAD 0.00001; TOPMed 0.00002; gnomAD exomes 0.00004; ExAC 0.00010.
gnomAD v4.1: 65 of 1,612,790 alleles (0.004%); highest among the groups gnomAD compares: Non-Finnish European, 0.0053%; no homozygotes.

Submissions (3):

Ambry Genetics
Classification: Uncertain significance for Inborn genetic diseases. Last evaluated: 2025-06-13. Review status: criteria provided, single submitter. Criteria: Ambry Variant Classification Scheme 2023. Collection method: clinical testing. Allele origin: germline.

GeneDx
Classification: Uncertain significance. Last evaluated: 2023-10-10. Review status: criteria provided, single submitter. Criteria: GeneDx Variant Classification Process June 2021. Collection method: clinical testing. Allele origin: germline. Affected: yes.
Comment: In silico analysis supports that this missense variant does not alter protein structure/function; Has not been previously published as pathogenic or benign to our knowledge

Blueprint Genetics
Classification: Uncertain significance. Last evaluated: 2021-03-31. Review status: criteria provided, single submitter. Criteria: ACMG Guidelines, 2015. Collection method: clinical testing. Allele origin: germline.